The following is an entry in ClinVar:

NM_001142800.2(EYS):c.5296del (p.His1766fs)

Gene: EYS (EGF-like photoreceptor maintenance factor; minus strand). Cytogenetic location: 6q12.
Variant type: Deletion.
Coding change: c.5296del on transcript NM_001142800.2 (MANE Select); coding-DNA position 5296, one base deleted (C; older notation c.5296delC).
Protein change: p.His1766fs; shifts the reading frame from histidine 1766.
Molecular consequence: frameshift variant.
Genome position (GRCh38, 1-based): chr6:64,590,571, G deleted on the plus strand (C on the coding strand, the reverse complement: EYS is on the minus strand). VCF-style (leftmost placement, unchanged base first): chr6-64590570-TG-T. GRCh37 (hg19) VCF-style: chr6-65300463-TG-T.
Other names: c.5296del, p.His1766fs (NM_001292009.2); short protein forms H1766fs.
Identifiers: ClinVar variation 1071792 (VCV001071792.7), dbSNP rs2149831278, ClinGen allele CA2499218450.
Genomic context (GRCh38, chr6:64,590,570, plus strand): 5'-TCTGAAAAATCAGGCACTGAGCCTGTCAATGGTGGCAGATTATTTTTGAAGTCATTTGCA[TG>T]TGTAATTTCTGAATATGTCTTTAAAGTAACATCCGGATAAATTTGTAAGTTTAACTCAAA-3'

ClinVar aggregate classification (germline): Pathogenic (1 of 4 stars; one submission).

Submission:

Labcorp Genetics (formerly Invitae), Labcorp
Classification: Pathogenic. Last evaluated: 2023-08-17. Review status: criteria provided, single submitter. Criteria: Invitae Variant Classification Sherloc (09022015). Collection method: clinical testing. Allele origin: germline.
Comment: For these reasons, this variant has been classified as Pathogenic. ClinVar contains an entry for this variant (Variation ID: 1071792). This variant has not been reported in the literature in individuals affected with EYS-related conditions. This variant is not present in population databases (gnomAD no frequency). This sequence change creates a premature translational stop signal (p.His1766Metfs*12) in the EYS gene. It is expected to result in an absent or disrupted protein product. Loss-of-function variants in EYS are known to be pathogenic (PMID: 18836446, 20333770).

Literature cited by the submitters: PubMed 18836446; PubMed 20333770.